The following is an entry in ClinVar:

ClinVar aggregate classification (germline): Likely benign (1 of 4 stars; one submission).

Allele frequency attached by ClinVar (database versions not stated): ExAC 0.00020; gnomAD exomes 0.00022; gnomAD 0.00147; TOPMed 0.00187; 1000 Genomes Project 30x 0.00265; 1000 Genomes Project 0.00280.
gnomAD v4.1: 544 of 1,536,214 alleles (0.035%); highest among the groups gnomAD compares: African/African-American, 0.49%; 3 homozygotes.

Submission:

CeGaT Center for Human Genetics Tuebingen
Classification: Likely benign. Last evaluated: 2026-06-01. Review status: criteria provided, single submitter. Criteria: CeGaT Center For Human Genetics Tuebingen Variant Classification Criteria Version 2. Collection method: clinical testing. Allele origin: germline. Affected: yes. Observed: 3 variant alleles.
Comment: WWOX: BP4

NM_016373.4(WWOX):c.*162G>C

Genes: MAF (MAF bZIP transcription factor; minus strand), WWOX (WW domain containing oxidoreductase; plus strand). Cytogenetic location: 16q23.2.
Variant type: single nucleotide variant.
Coding change: c.*162G>C on transcript NM_016373.4 (MANE Select); 162 bases downstream of the stop codon, G replaced by C.
Molecular consequence: 3 prime UTR variant.
Genome position (GRCh38, 1-based): chr16:79,211,958, G>C. VCF-style: chr16-79211958-G-C. GRCh37 (hg19) VCF-style: chr16-79245855-G-C.
Other names: c.*162G>C (NM_001291997.2).
Identifiers: ClinVar variation 3025376 (VCV003025376.22), dbSNP rs183921789, ClinGen allele CA8183880.
Genomic context (GRCh38, chr16:79,211,958, plus strand): 5'-CGCAAGAGTAAAGGAAATAAGAGCAGTCACAACAGAGTGAAAAATCTTAAGTACCAATGG[G>C]AAGCAGGGAATTCCTGGGGTAAAGTATCACTTTTCTGGGGCTGGGCTAGGCATAGGTCTC-3'